The following is an entry in ClinVar:

NM_017849.4(TMEM127):c.199G>A (p.Gly67Arg)

Gene: TMEM127 (transmembrane protein 127; minus strand). Cytogenetic location: 2q11.2.
Variant type: single nucleotide variant.
Coding change: c.199G>A on transcript NM_017849.4 (MANE Select); coding-DNA position 199, G replaced by A.
Protein change: p.Gly67Arg; replaces glycine 67 with arginine.
Molecular consequence: missense variant. On other transcripts: intron variant (1).
Genome position (GRCh38, 1-based): chr2:96,265,183, C>T on the plus strand (G>A on the coding strand, the complement: TMEM127 is on the minus strand). VCF-style: chr2-96265183-C-T. GRCh37 (hg19) VCF-style: chr2-96930921-C-T.
Other names: c.199G>A, p.Gly67Arg (NM_001193304.3); c.-9+686G>A (NM_001407283.1); short protein forms G67R.
Identifiers: ClinVar variation 2747320 (VCV002747320.3), dbSNP rs2467285166, ClinGen allele CA347655913.

ClinVar aggregate classification (germline): Uncertain significance (1 of 4 stars; one submission).

Conditions:
Hereditary pheochromocytoma and paraganglioma. Also called: Hereditary Paraganglioma-Pheochromocytoma Syndromes; Hereditary pheochromocytoma-paraganglioma; Hereditary paragangliomas and pheochromocytomas. Identifiers: Orphanet 29072, MedGen C4274332, MONDO:0017366.

Submission:

Labcorp Genetics (formerly Invitae), Labcorp
Classification: Uncertain significance for Hereditary pheochromocytoma and paraganglioma. Last evaluated: 2024-06-09. Review status: criteria provided, single submitter. Criteria: Invitae Variant Classification Sherloc (09022015). Collection method: clinical testing. Allele origin: germline.
Comment: This sequence change replaces glycine, which is neutral and non-polar, with arginine, which is basic and polar, at codon 67 of the TMEM127 protein (p.Gly67Arg). This variant is not present in population databases (gnomAD no frequency). This variant has not been reported in the literature in individuals affected with TMEM127-related conditions. An algorithm developed to predict the effect of missense changes on protein structure and function (PolyPhen-2) suggests that this variant is likely to be disruptive. In summary, the available evidence is currently insufficient to determine the role of this variant in disease. Therefore, it has been classified as a Variant of Uncertain Significance.